The following is an entry in ClinVar:

NM_017999.5(RNF31):c.594G>T (p.Glu198Asp)

Gene: RNF31 (ring finger protein 31; plus strand). Cytogenetic location: 14q12.
Variant type: single nucleotide variant.
Coding change: c.594G>T on transcript NM_017999.5 (MANE Select); coding-DNA position 594, G replaced by T.
Protein change: p.Glu198Asp; replaces glutamic acid 198 with aspartic acid.
Molecular consequence: missense variant.
Genome position (GRCh38, 1-based): chr14:24,148,839, G>T. VCF-style: chr14-24148839-G-T. GRCh37 (hg19) VCF-style: chr14-24618048-G-T.
Other names: c.141G>T, p.Glu47Asp (NM_001310332.2); short protein forms E198D, E47D.
Identifiers: ClinVar variation 4809265 (VCV004809265.1).

ClinVar aggregate classification (germline): Uncertain significance (1 of 4 stars; one submission).

Submission:

Labcorp Genetics (formerly Invitae), Labcorp
Classification: Uncertain significance. Last evaluated: 2025-06-08. Review status: criteria provided, single submitter. Criteria: Invitae Variant Classification Sherloc (09022015). Collection method: clinical testing. Allele origin: germline.
Comment: This sequence change replaces glutamic acid, which is acidic and polar, with aspartic acid, which is acidic and polar, at codon 198 of the RNF31 protein (p.Glu198Asp). This variant is not present in population databases (gnomAD no frequency). This variant has not been reported in the literature in individuals affected with RNF31-related conditions. An algorithm developed to predict the effect of missense changes on protein structure and function (PolyPhen-2) suggests that this variant is likely to be tolerated. In summary, the available evidence is currently insufficient to determine the role of this variant in disease. Therefore, it has been classified as a Variant of Uncertain Significance.